The following is an entry in ClinVar:

ClinVar aggregate classification (germline): Uncertain significance. Review status: criteria provided, multiple submitters, no conflicts (2 of 4 stars). 2 submissions from 2 submitters: Uncertain significance (2). Last evaluated 2025-07-30.

Conditions:
Cardiovascular phenotype. Identifiers: MedGen CN230736.
Dilated cardiomyopathy 1JJ (CMD1JJ). Identifiers: Orphanet 154, MedGen C3808935, MONDO:0014095, OMIM 615235.

Allele frequency attached by ClinVar (database versions not stated): gnomAD exomes below 0.00001.
gnomAD v4.1: 2 of 1,609,512 alleles (0.00012%); highest among the groups gnomAD compares: Non-Finnish European, 0.00017%; no homozygotes.

Submissions (2):

Labcorp Genetics (formerly Invitae), Labcorp
Classification: Uncertain significance for Dilated cardiomyopathy 1JJ. Last evaluated: 2025-07-30. Review status: criteria provided, single submitter. Criteria: Invitae Variant Classification Sherloc (09022015). Collection method: clinical testing. Allele origin: germline.
Comment: This sequence change replaces serine, which is neutral and polar, with proline, which is neutral and non-polar, at codon 552 of the LAMA4 protein (p.Ser552Pro). This variant is not present in population databases (gnomAD no frequency). This variant has not been reported in the literature in individuals affected with LAMA4-related conditions. ClinVar contains an entry for this variant (Variation ID: 1777325). Invitae Evidence Modeling of protein sequence and biophysical properties (such as structural, functional, and spatial information, amino acid conservation, physicochemical variation, residue mobility, and thermodynamic stability) has been performed for this missense variant. However, the output from this modeling did not meet the statistical confidence thresholds required to predict the impact of this variant on LAMA4 protein function. In summary, the available evidence is currently insufficient to determine the role of this variant in disease. Therefore, it has been classified as a Variant of Uncertain Significance.

Ambry Genetics
Classification: Uncertain significance for Cardiovascular phenotype. Last evaluated: 2023-11-08. Review status: criteria provided, single submitter. Criteria: Ambry Variant Classification Scheme 2023. Collection method: clinical testing. Allele origin: germline.
Comment: The p.S552P variant (also known as c.1654T>C), located in coding exon 13 of the LAMA4 gene, results from a T to C substitution at nucleotide position 1654. The serine at codon 552 is replaced by proline, an amino acid with similar properties. This amino acid position is highly conserved in available vertebrate species. In addition, the in silico prediction for this alteration is inconclusive. Since supporting evidence is limited at this time, the clinical significance of this alteration remains unclear.

NM_001105206.3(LAMA4):c.1675T>C (p.Ser559Pro)

Gene: LAMA4 (laminin subunit alpha 4; minus strand). Cytogenetic location: 6q21.
Variant type: single nucleotide variant.
Coding change: c.1675T>C on transcript NM_001105206.3 (MANE Select); coding-DNA position 1675, T replaced by C.
Protein change: p.Ser559Pro; replaces serine 559 with proline.
Molecular consequence: missense variant.
Genome position (GRCh38, 1-based): chr6:112,158,874, A>G on the plus strand (T>C on the coding strand, the complement: LAMA4 is on the minus strand). VCF-style: chr6-112158874-A-G. GRCh37 (hg19) VCF-style: chr6-112480076-A-G.
Other names: c.1654T>C, p.Ser552Pro (NM_001105207.3, NM_002290.5); short protein forms S552P, S559P.
Identifiers: ClinVar variation 1777325 (VCV001777325.5), dbSNP rs1780883436, ClinGen allele CA365365953.